The following is an entry in ClinVar:

ClinVar aggregate classification (germline): Uncertain significance (1 of 4 stars; one submission).

Conditions:
Paroxysmal nonkinesigenic dyskinesia. Also called: Paroxysmal non-kinesigenic dyskinesia. Identifiers: Orphanet 98810, MedGen C1869117, MONDO:0700088.

Submission:

Labcorp Genetics (formerly Invitae), Labcorp
Classification: Uncertain significance for Paroxysmal nonkinesigenic dyskinesia. Last evaluated: 2023-07-30. Review status: criteria provided, single submitter. Criteria: Invitae Variant Classification Sherloc (09022015). Collection method: clinical testing. Allele origin: germline.
Comment: In summary, the available evidence is currently insufficient to determine the role of this variant in disease. Therefore, it has been classified as a Variant of Uncertain Significance. An algorithm developed to predict the effect of missense changes on protein structure and function (PolyPhen-2) suggests that this variant is likely to be tolerated. This variant has not been reported in the literature in individuals affected with PNKD-related conditions. This variant is not present in population databases (gnomAD no frequency). This sequence change replaces proline, which is neutral and non-polar, with alanine, which is neutral and non-polar, at codon 71 of the PNKD protein (p.Pro71Ala).

NM_015488.5(PNKD):c.211C>G (p.Pro71Ala)

Gene: PNKD (PNKD metallo-beta-lactamase domain containing; plus strand). Cytogenetic location: 2q35.
Variant type: single nucleotide variant.
Coding change: c.211C>G on transcript NM_015488.5 (MANE Select); coding-DNA position 211, C replaced by G.
Protein change: p.Pro71Ala; replaces proline 71 with alanine.
Molecular consequence: missense variant.
Genome position (GRCh38, 1-based): chr2:218,271,524, C>G. VCF-style: chr2-218271524-C-G. GRCh37 (hg19) VCF-style: chr2-219136247-C-G.
Other names: c.211C>G, p.Pro71Ala (NM_001077399.3); short protein forms P71A.
Identifiers: ClinVar variation 2961617 (VCV002961617.3), dbSNP rs2469258011, ClinGen allele CA350544883.
Genomic context (GRCh38, chr2:218,271,524, plus strand): 5'-GAGGAACCTGAACCCCTATCCCCGGAGCTGGAATACATTCCCAGAAAGAGGGGCAAGAAC[C>G]CCATGAAAGCTGTGGGACTGGCCTGGTGAGTTTTAACCACCCCTTTGCCCACCAACGGGG-3'
Protein context (NP_056303.3, residues 61-81): EYIPRKRGKN[Pro71Ala]MKAVGLAWYS